The following is an entry in ClinVar:

ClinVar aggregate classification (germline): Uncertain significance (1 of 4 stars; one submission).

Submission:

Labcorp Genetics (formerly Invitae), Labcorp
Classification: Uncertain significance. Last evaluated: 2023-03-07. Review status: criteria provided, single submitter. Criteria: Invitae Variant Classification Sherloc (09022015). Collection method: clinical testing. Allele origin: germline.
Comment: In summary, the available evidence is currently insufficient to determine the role of this variant in disease. Therefore, it has been classified as a Variant of Uncertain Significance. Advanced modeling of protein sequence and biophysical properties (such as structural, functional, and spatial information, amino acid conservation, physicochemical variation, residue mobility, and thermodynamic stability) performed at Invitae indicates that this missense variant is not expected to disrupt POLE protein function. This variant has not been reported in the literature in individuals affected with POLE-related conditions. This variant is not present in population databases (gnomAD no frequency). This sequence change replaces glutamine, which is neutral and polar, with glutamic acid, which is acidic and polar, at codon 1282 of the POLE protein (p.Gln1282Glu).

NM_006231.4(POLE):c.3844C>G (p.Gln1282Glu)

Gene: POLE (DNA polymerase epsilon, catalytic subunit; minus strand). Cytogenetic location: 12q24.33.
Variant type: single nucleotide variant.
Coding change: c.3844C>G on transcript NM_006231.4 (MANE Select); coding-DNA position 3844, C replaced by G.
Protein change: p.Gln1282Glu; replaces glutamine 1282 with glutamic acid.
Molecular consequence: missense variant.
Genome position (GRCh38, 1-based): chr12:132,649,467, G>C on the plus strand (C>G on the coding strand, the complement: POLE is on the minus strand). VCF-style: chr12-132649467-G-C. GRCh37 (hg19) VCF-style: chr12-133226053-G-C.
Other names: short protein forms Q1282E.
Identifiers: ClinVar variation 2843330 (VCV002843330.3), dbSNP rs1593750192, ClinGen allele CA387385462.
Genomic context (GRCh38, chr12:132,649,467, plus strand): 5'-GCACACCCTCTGCCGACTCCAGACGCTGCCTCTTCCTGCGGGCGAGGCGCTGCCGGGCCT[G>C]CAGCTGCCACTTCTTCTTGTGGAACCGGAGCCAGACAAGCCATTCCTCCTGGGATGGATG-3'
Protein context (NP_006222.2, residues 1272-1292): LRFHKKKWQL[Gln1282Glu]ARQRLARRKR